The following is an entry in ClinVar:

ClinVar aggregate classification (germline): Conflicting classifications of pathogenicity. Review status: criteria provided, conflicting classifications (1 of 4 stars). 7 submissions from 7 submitters: Uncertain significance (5); Likely benign (2). Last evaluated 2026-01-20.

Conditions:
SDHA-related disorder. Also called: SDHA-related condition; SDHA-related disorders.
Pheochromocytoma/paraganglioma syndrome 5. Also called: Paragangliomas 5; SDHA-Related Hereditary Paraganglioma-Pheochromocytoma Syndrome. Identifiers: Orphanet 29072, MedGen C3279992, MONDO:0013602, OMIM 614165.
Mitochondrial complex II deficiency, nuclear type 1. Also called: SUCCINATE CoQ REDUCTASE DEFICIENCY. Identifiers: Orphanet 3208, MedGen C5700310, MONDO:0100294, OMIM 252011.
Hereditary cancer-predisposing syndrome. Also called: Neoplastic Syndromes, Hereditary; Hereditary Cancer Syndrome; Tumor predisposition; Hereditary neoplastic syndrome. Identifiers: Orphanet 140162, MedGen C0027672, MeSH D009386, MONDO:0015356.

Allele frequency attached by ClinVar (database versions not stated): ESP Exome Variant Server 0.00024.

Submissions (7):

PreventionGenetics, part of Exact Sciences
Classification: Uncertain significance for SDHA-related condition. Last evaluated: 2026-01-20. Review status: criteria provided, single submitter. Criteria: ACMG Guidelines, 2015. Collection method: clinical testing. Allele origin: germline.
Comment: The SDHA c.1894G>T variant is predicted to result in the amino acid substitution p.Val632Phe. This variant has been reported as uncertain clinical significance in a cohort of adult patients with left ventricular noncompaction (Supplemental Data Table 2, Richard et al. 2019. PubMed ID: 30471092). This variant is reported in 0.071% of alleles in individuals of African descent in gnomAD. This variant falls within a highly paralogous region. Allele frequency data should be interpreted with caution. This variant has conflicting interpretations in ClinVar ranging from uncertain to likely benign (Variation ID: 472368). At this time, the clinical significance of this variant is uncertain due to the absence of conclusive functional and genetic evidence.

Ambry Genetics
Classification: Uncertain significance for Hereditary cancer-predisposing syndrome. Last evaluated: 2025-11-06. Review status: criteria provided, single submitter. Criteria: Ambry Variant Classification Scheme 2023. Collection method: clinical testing. Allele origin: germline.
Comment: The p.V632F variant (also known as c.1894G>T), located in coding exon 14 of the SDHA gene, results from a G to T substitution at nucleotide position 1894. The valine at codon 632 is replaced by phenylalanine, an amino acid with highly similar properties. This amino acid position is poorly conserved in available vertebrate species. In addition, this alteration is predicted to be tolerated by in silico analysis. Based on the available evidence, the clinical significance of this variant remains unclear.

Labcorp Genetics (formerly Invitae), Labcorp
Classification: Uncertain significance for Pheochromocytoma/paraganglioma syndrome 5; Mitochondrial complex II deficiency, nuclear type 1. Last evaluated: 2025-08-07. Review status: criteria provided, single submitter. Criteria: Invitae Variant Classification Sherloc (09022015). Collection method: clinical testing. Allele origin: germline.
Comment: This sequence change replaces valine, which is neutral and non-polar, with phenylalanine, which is neutral and non-polar, at codon 632 of the SDHA protein (p.Val632Phe). The frequency data for this variant in the population databases is considered unreliable, as metrics indicate poor data quality at this position in the gnomAD database. This variant has not been reported in the literature in individuals affected with SDHA-related conditions. ClinVar contains an entry for this variant (Variation ID: 472368). Invitae Evidence Modeling of protein sequence and biophysical properties (such as structural, functional, and spatial information, amino acid conservation, physicochemical variation, residue mobility, and thermodynamic stability) indicates that this missense variant is not expected to disrupt SDHA protein function with a negative predictive value of 95%. In summary, the available evidence is currently insufficient to determine the role of this variant in disease. Therefore, it has been classified as a Variant of Uncertain Significance.

GeneDx
Classification: Uncertain significance. Last evaluated: 2024-09-26. Review status: criteria provided, single submitter. Criteria: GeneDx Variant Classification Process June 2021. Collection method: clinical testing. Allele origin: germline. Affected: yes.
Comment: In silico analysis indicates that this missense variant does not alter protein structure/function; Has not been previously published as pathogenic or benign to our knowledge; This variant is associated with the following publications: (PMID: 38749302, 38473309)

Mayo Clinic Laboratories, Mayo Clinic
Classification: Uncertain significance. Last evaluated: 2024-04-19. Review status: criteria provided, single submitter. Criteria: ACMG Guidelines, 2015. Collection method: clinical testing. Allele origin: germline. Observed: 1 variant allele.

Quest Diagnostics Nichols Institute San Juan Capistrano
Classification: Likely benign. Last evaluated: 2023-02-01. Review status: criteria provided, single submitter. Criteria: Quest Diagnostics criteria. Collection method: clinical testing. Allele origin: unknown.

Sema4
Classification: Likely benign for Hereditary cancer-predisposing syndrome. Last evaluated: 2020-12-31. Review status: criteria provided, single submitter. Criteria: Sema4 Curation Guidelines. Collection method: curation. Allele origin: germline.

NM_004168.4(SDHA):c.1894G>T (p.Val632Phe)

Gene: SDHA (succinate dehydrogenase complex flavoprotein subunit A; plus strand). Cytogenetic location: 5p15.33.
Variant type: single nucleotide variant.
Coding change: c.1894G>T on transcript NM_004168.4 (MANE Select); coding-DNA position 1894, G replaced by T.
Protein change: p.Val632Phe; replaces valine 632 with phenylalanine.
Molecular consequence: missense variant.
Genome position (GRCh38, 1-based): chr5:254,492, G>T. VCF-style: chr5-254492-G-T. GRCh37 (hg19) VCF-style: chr5-254607-G-T.
Other names: p.Val632Phe; c.1750G>T, p.Val584Phe (NM_001294332.2); c.1651G>T, p.Val551Phe (NM_001330758.2); short protein forms V632F, V584F, V551F.
Identifiers: ClinVar variation 472368 (VCV000472368.21), dbSNP rs369639811, ClinGen allele CA3173438.
Genomic context (GRCh38, chr5:254,492, plus strand): 5'-GGGCAACAGAAGAAGCCCTTTGAGGAGCACTGGAGGAAGCACACCCTGTCCTATGTGGAC[G>T]TTGGCACTGGGAAGGTCAGTGTGGAGCTCGTTCTCACCACAGCCCAGCACCCACACGGCC-3'
Protein context (NP_004159.2, residues 622-642): WRKHTLSYVD[Val632Phe]GTGKVTLEYR